The following is an entry in ClinVar:

NM_005422.4(TECTA):c.548A>G (p.Tyr183Cys)

Genes: TBCEL-TECTA (TBCEL-TECTA readthrough; plus strand), TECTA (tectorin alpha; plus strand). Cytogenetic location: 11q23.3.
Variant type: single nucleotide variant.
Coding change: c.548A>G on transcript NM_005422.4 (MANE Select); coding-DNA position 548, A replaced by G.
Protein change: p.Tyr183Cys; replaces tyrosine 183 with cysteine.
Molecular consequence: missense variant.
Genome position (GRCh38, 1-based): chr11:121,113,133, A>G. VCF-style: chr11-121113133-A-G. GRCh37 (hg19) VCF-style: chr11-120983842-A-G.
Other names: c.1505A>G, p.Tyr502Cys (NM_001378761.1); short protein forms Y183C, Y502C.
Identifiers: ClinVar variation 4819086 (VCV004819086.1).

ClinVar aggregate classification (germline): Uncertain significance (1 of 4 stars; one submission).

Conditions:
Autosomal dominant nonsyndromic hearing loss 12. Also called: DEAFNESS, AUTOSOMAL DOMINANT 8. Identifiers: Orphanet 90635, MedGen C1832187, MONDO:0011102, OMIM 601543.

Submission:

Institute of Human Genetics, University of Goettingen
Classification: Uncertain significance for Autosomal dominant nonsyndromic hearing loss 12. Last evaluated: 2026-03-09. Review status: criteria provided, single submitter. Criteria: ACMG Guidelines, 2015. Collection method: clinical testing. Allele origin: unknown. Inheritance: Autosomal dominant inheritance. Affected: yes. Observed: 1 variant allele, 1 heterozygote.
Comment: The variant is currently not listed in the HGMD, ClinVar, and LOVD3 databases and is not described in the relevant literature. A comparison with the gnomAD browser has not provided any evidence that this variant is a normal variant that can also be detected in unaffected individuals [PM2_sup]. The variant is classified as harmful by the in silico prediction program REVEL (score: 0.938) [PP3]. For this reason, we have classified the variant as a variant of uncertain significance.